The following is an entry in ClinVar:

ClinVar aggregate classification (germline): Benign. Review status: criteria provided, multiple submitters, no conflicts (2 of 4 stars). 2 submissions from 2 submitters: Benign (2). Last evaluated 2018-01-12.

Conditions:
Symmetrical dyschromatosis of extremities (DSH). Also called: Dyschromatosis symmetrica hereditaria; DYSCHROMATOSIS SYMMETRICA HEREDITARIA 1; RETICULATE ACROPIGMENTATION OF DOHI; SYMMETRIC DYSCHROMATOSIS OF THE EXTREMITIES. Identifiers: Orphanet 41, MedGen C0406775, MONDO:0007483, OMIM 127400.

Allele frequency attached by ClinVar (database versions not stated): gnomAD 0.41404 and 0.41659; 1000 Genomes Project 0.39497; TOPMed 0.41649; gnomAD exomes 0.50000; 1000 Genomes Project 30x 0.38913.
gnomAD v4.1: 63,505 of 152,102 alleles (42%); highest among the groups gnomAD compares: East Asian, 55%; 14,215 homozygotes.

Submissions (2):

Illumina Laboratory Services, Illumina
Classification: Benign for Symmetrical dyschromatosis of extremities. Last evaluated: 2018-01-12. Review status: criteria provided, single submitter. Criteria: ICSL Variant Classification Criteria 13 December 2019. Collection method: clinical testing. Allele origin: germline.
Comment: This variant was observed in the ICSL laboratory as part of a predisposition screen in an ostensibly healthy population. It had not been previously curated by ICSL or reported in the Human Gene Mutation Database (HGMD: prior to June 1st, 2018), and was therefore a candidate for classification through an automated scoring system. Utilizing variant allele frequency, disease prevalence and penetrance estimates, and inheritance mode, an automated score was calculated to assess if this variant is too frequent to cause the disease. Based on the score and internal cut-off values, a variant classified as benign is not then subjected to further curation. The score for this variant resulted in a classification of benign for this disease.

Breakthrough Genomics
Classification: Benign. Review status: criteria provided, single submitter. Criteria: ACMG Guidelines, 2015. Collection method: not provided. Allele origin: germline. Inheritance: Autosomal recessive inheritance. Affected: yes.

NM_001111.5(ADAR):c.*857C>T

Gene: ADAR (adenosine deaminase RNA specific; minus strand). Cytogenetic location: 1q21.3.
Variant type: single nucleotide variant.
Coding change: c.*857C>T on transcript NM_001111.5 (MANE Select); 857 bases downstream of the stop codon, C replaced by T.
Molecular consequence: 3 prime UTR variant.
Genome position (GRCh38, 1-based): chr1:154,583,949, G>A on the plus strand (C>T on the coding strand, the complement: ADAR is on the minus strand). VCF-style: chr1-154583949-G-A. GRCh37 (hg19) VCF-style: chr1-154556425-G-A.
Other names: c.*857C>T (LRG_1212t1, NM_001025107.3, NM_001193495.2 and 7 more transcripts).
Identifiers: ClinVar variation 292734 (VCV000292734.6), dbSNP rs1127313, ClinGen allele CA10607901.